The following is an entry in ClinVar:

ClinVar aggregate classification (germline): Uncertain significance (1 of 4 stars; one submission).

gnomAD v4.1: 6 of 1,556,848 alleles (0.00039%); highest among the groups gnomAD compares: East Asian, 0.0023%; no homozygotes.

Submission:

Labcorp Genetics (formerly Invitae), Labcorp
Classification: Uncertain significance. Last evaluated: 2025-07-02. Review status: criteria provided, single submitter. Criteria: Invitae Variant Classification Sherloc (09022015). Collection method: clinical testing. Allele origin: germline.
Comment: This sequence change replaces leucine, which is neutral and non-polar, with proline, which is neutral and non-polar, at codon 255 of the PRDM13 protein (p.Leu255Pro). The frequency data for this variant in the population databases is considered unreliable, as metrics indicate poor data quality at this position in the gnomAD database. This variant has not been reported in the literature in individuals affected with PRDM13-related conditions. An algorithm developed to predict the effect of missense changes on protein structure and function outputs the following: PolyPhen-2: "Benign". The proline amino acid residue is found in multiple mammalian species, which suggests that this missense change does not adversely affect protein function. In summary, the available evidence is currently insufficient to determine the role of this variant in disease. Therefore, it has been classified as a Variant of Uncertain Significance.

NM_021620.4(PRDM13):c.764T>C (p.Leu255Pro)

Gene: PRDM13 (PR/SET domain 13; plus strand). Cytogenetic location: 6q16.2.
Variant type: single nucleotide variant.
Coding change: c.764T>C on transcript NM_021620.4 (MANE Select); coding-DNA position 764, T replaced by C.
Protein change: p.Leu255Pro; replaces leucine 255 with proline.
Molecular consequence: missense variant.
Genome position (GRCh38, 1-based): chr6:99,613,399, T>C. VCF-style: chr6-99613399-T-C. GRCh37 (hg19) VCF-style: chr6-100061275-T-C.
Other names: short protein forms L255P.
Identifiers: ClinVar variation 4761549 (VCV004761549.1).